The following is an entry in ClinVar:

NM_015999.6(ADIPOR1):c.955G>A (p.Ala319Thr)

Gene: ADIPOR1 (adiponectin receptor 1; minus strand). Cytogenetic location: 1q32.1.
Variant type: single nucleotide variant.
Coding change: c.955G>A on transcript NM_015999.6 (MANE Select); coding-DNA position 955, G replaced by A.
Protein change: p.Ala319Thr; replaces alanine 319 with threonine.
Molecular consequence: missense variant.
Genome position (GRCh38, 1-based): chr1:202,942,069, C>T on the plus strand (G>A on the coding strand, the complement: ADIPOR1 is on the minus strand). VCF-style: chr1-202942069-C-T. GRCh37 (hg19) VCF-style: chr1-202911197-C-T.
Other names: c.955G>A, p.Ala319Thr (NM_001290553.2, NM_001290557.1, NM_001290629.1); short protein forms A319T.
Identifiers: ClinVar variation 841163 (VCV000841163.8), dbSNP rs780196089, ClinGen allele CA1335858.

ClinVar aggregate classification (germline): Uncertain significance. Review status: criteria provided, multiple submitters, no conflicts (2 of 4 stars). 2 submissions from 2 submitters: Uncertain significance (2). Last evaluated 2024-11-22.

Allele frequency attached by ClinVar (database versions not stated): ExAC 0.00002; gnomAD 0.00002; TOPMed 0.00002; gnomAD exomes 0.00005.

Submissions (2):

Blueprint Genetics
Classification: Uncertain significance. Last evaluated: 2024-11-22. Review status: criteria provided, single submitter. Criteria: ACMG Guidelines, 2015. Collection method: clinical testing. Allele origin: germline.

Labcorp Genetics (formerly Invitae), Labcorp
Classification: Uncertain significance. Last evaluated: 2024-03-11. Review status: criteria provided, single submitter. Criteria: Invitae Variant Classification Sherloc (09022015). Collection method: clinical testing. Allele origin: germline.
Comment: This sequence change replaces alanine, which is neutral and non-polar, with threonine, which is neutral and polar, at codon 319 of the ADIPOR1 protein (p.Ala319Thr). The frequency data for this variant in the population databases is considered unreliable, as metrics indicate poor data quality at this position in the gnomAD database. This variant has not been reported in the literature in individuals affected with ADIPOR1-related conditions. ClinVar contains an entry for this variant (Variation ID: 841163). An algorithm developed to predict the effect of missense changes on protein structure and function (PolyPhen-2) suggests that this variant is likely to be tolerated. In summary, the available evidence is currently insufficient to determine the role of this variant in disease. Therefore, it has been classified as a Variant of Uncertain Significance.